The following is an entry in ClinVar:

NM_001851.6(COL9A1):c.353G>A (p.Arg118Gln)

Gene: COL9A1 (collagen type IX alpha 1 chain; minus strand). Cytogenetic location: 6q13.
Variant type: single nucleotide variant.
Coding change: c.353G>A on transcript NM_001851.6 (MANE Select); coding-DNA position 353, G replaced by A.
Protein change: p.Arg118Gln; replaces arginine 118 with glutamine.
Molecular consequence: missense variant.
Genome position (GRCh38, 1-based): chr6:70,294,510, C>T on the plus strand (G>A on the coding strand, the complement: COL9A1 is on the minus strand). VCF-style: chr6-70294510-C-T. GRCh37 (hg19) VCF-style: chr6-71004213-C-T.
Other names: c.353G>A, p.Arg118Gln (NM_001377291.1); short protein forms R118Q.
Identifiers: ClinVar variation 449774 (VCV000449774.25), dbSNP rs143848379, ClinGen allele CA3882832.

ClinVar aggregate classification (germline): Conflicting classifications of pathogenicity. Review status: criteria provided, conflicting classifications (1 of 4 stars). 7 submissions from 7 submitters: Uncertain significance (5); Likely benign (2). Last evaluated 2026-01-12.

Conditions:
COL9A1-related disorder. Also called: COL9A1-related disorders; COL9A1-related condition.
Epiphyseal dysplasia, multiple, 6. Also called: COL9A1-Related Multiple Epiphyseal Dysplasia. Identifiers: MedGen C2675767, MONDO:0013591, OMIM 614135.
Stickler syndrome, type 4 (STL4). Identifiers: Orphanet 250984, Orphanet 828, MedGen C3279941, MONDO:0013590, OMIM 614134.

Allele frequency attached by ClinVar (database versions not stated): gnomAD exomes 0.00012 and 0.00018; ExAC 0.00018; ESP Exome Variant Server 0.00038; gnomAD 0.00058 and 0.00061; 1000 Genomes Project 0.00060; 1000 Genomes Project 30x 0.00062; TOPMed 0.00066.
gnomAD v4.1: 270 of 1,614,034 alleles (0.017%); highest among the groups gnomAD compares: African/African-American, 0.23%; no homozygotes.

Submissions (7):

Labcorp Genetics (formerly Invitae), Labcorp
Classification: Likely benign. Last evaluated: 2026-01-12. Review status: criteria provided, single submitter. Criteria: Invitae Variant Classification Sherloc (09022015). Collection method: clinical testing. Allele origin: germline.

Women's Health and Genetics/Laboratory Corporation of America, LabCorp
Classification: Uncertain significance. Last evaluated: 2025-10-09. Review status: criteria provided, single submitter. Criteria: LabCorp Variant Classification Summary - May 2015. Collection method: clinical testing. Allele origin: germline.
Comment: Variant summary: COL9A1 c.353G>A (p.Arg118Gln) results in a conservative amino acid change in the encoded protein sequence. Algorithms developed to predict the effect of missense changes on protein structure and function are either unavailable or do not agree on the potential impact of this missense change. The variant allele was found at a frequency of 0.00018 in 250800 control chromosomes, predominantly at a frequency of 0.0022 within the African or African-American subpopulation in the gnomAD database. This frequency is not significantly higher than estimated for disease-causing variants in COL9A1, allowing no conclusion about variant significance. To our knowledge, no occurrence of c.353G>A in individuals affected with COL9A1-related conditions and no experimental evidence demonstrating its impact on protein function have been reported. ClinVar contains an entry for this variant (Variation ID: 449774). Based on the evidence outlined above, the variant was classified as uncertain significance.

PreventionGenetics, part of Exact Sciences
Classification: Likely benign for COL9A1-related condition. Last evaluated: 2025-03-18. Review status: criteria provided, single submitter. Criteria: ACMG Guidelines, 2015. Collection method: clinical testing. Allele origin: germline.
Comment: This variant is classified as likely benign based on ACMG/AMP sequence variant interpretation guidelines (Richards et al. 2015 PMID: 25741868, with internal and published modifications).

Blueprint Genetics
Classification: Uncertain significance. Last evaluated: 2024-08-21. Review status: criteria provided, single submitter. Criteria: ACMG Guidelines, 2015. Collection method: clinical testing. Allele origin: germline.

GeneDx
Classification: Uncertain significance. Last evaluated: 2024-05-14. Review status: criteria provided, single submitter. Criteria: GeneDx Variant Classification Process June 2021. Collection method: clinical testing. Allele origin: germline. Affected: yes.
Comment: Has not been previously published as pathogenic or benign to our knowledge; In silico analysis supports that this missense variant has a deleterious effect on protein structure/function

Fulgent Genetics
Classification: Uncertain significance for Stickler syndrome, type 4; Epiphyseal dysplasia, multiple, 6. Last evaluated: 2018-10-31. Review status: criteria provided, single submitter. Criteria: ACMG Guidelines, 2015. Collection method: clinical testing. Allele origin: unknown.

Eurofins Ntd Llc (ga)
Classification: Uncertain significance. Last evaluated: 2018-03-20. Review status: criteria provided, single submitter. Criteria: EGL ClinVar v180209 classification definitions. Collection method: clinical testing. Allele origin: germline. Observed: 1 variant allele, 1 heterozygote.